The following is an entry in ClinVar:

NM_152564.5(VPS13B):c.4949+2T>G

Gene: VPS13B (vacuolar protein sorting 13 homolog B; plus strand). Cytogenetic location: 8q22.2.
Variant type: single nucleotide variant.
Coding change: c.4949+2T>G on transcript NM_152564.5 (MANE Select); the canonical splice donor site of the intron after coding-DNA position 4949, T replaced by G.
Molecular consequence: splice donor variant.
Genome position (GRCh38, 1-based): chr8:99,556,655, T>G. VCF-style: chr8-99556655-T-G. GRCh37 (hg19) VCF-style: chr8-100568883-T-G.
Other names: c.5024+2T>G (NM_017890.5).
Identifiers: ClinVar variation 2765390 (VCV002765390.3), dbSNP rs761273297, ClinGen allele CA371869885.

ClinVar aggregate classification (germline): Pathogenic (1 of 4 stars; one submission).

Conditions:
Cohen syndrome (COH1). Also called: PEPPER SYNDROME; Cutis verticis gyrata, retinitis pigmentosa, and sensorineural deafness. Identifiers: Orphanet 193, MedGen C0265223, MONDO:0008999, OMIM 216550.

Submission:

Labcorp Genetics (formerly Invitae), Labcorp
Classification: Pathogenic for Cohen syndrome. Last evaluated: 2023-10-04. Review status: criteria provided, single submitter. Criteria: Invitae Variant Classification Sherloc (09022015). Collection method: clinical testing. Allele origin: germline.
Comment: This sequence change affects a donor splice site in intron 31 of the VPS13B gene. RNA analysis indicates that disruption of this splice site induces altered splicing and likely results in a shortened protein product. This variant is not present in population databases (gnomAD no frequency). Disruption of this splice site has been observed in individual(s) with clinical features of Cohen syndrome (PMID: 34425733). Studies have shown that disruption of this splice site results in skipping of exon 31, but is expected to preserve the integrity of the reading-frame (PMID: 34425733). This variant disrupts a region of the VPS13B protein in which other variant(s) (p.Ile1611Asn) have been determined to be pathogenic (PMID: 20656880, 35690661). This suggests that this is a clinically significant region of the protein, and that variants that disrupt it are likely to be disease-causing. For these reasons, this variant has been classified as Pathogenic.

Literature cited by the submitters: PubMed 34425733; PubMed 20656880; PubMed 35690661.